The following is an entry in ClinVar:

NM_014244.5(ADAMTS2):c.107_108insTAAGAGACAGT (p.Ala37fs)

Gene: ADAMTS2 (ADAM metallopeptidase with thrombospondin type 1 motif 2; minus strand). Cytogenetic location: 5q35.3.
Variant type: Insertion.
Coding change: c.107_108insTAAGAGACAGT on transcript NM_014244.5 (MANE Select); coding-DNA positions 107 to 108, TAAGAGACAGT inserted.
Protein change: p.Ala37fs; shifts the reading frame from alanine 37.
Molecular consequence: frameshift variant.
Genome position: GRCh38 VCF-style: chr5-179345221-G-GACTGTCTCTTA. GRCh37 (hg19) VCF-style: chr5-178772222-G-GACTGTCTCTTA.
Other names: c.107_108insTAAGAGACAGT, p.Ala37fs (NM_021599.4); short protein forms A37fs.
Identifiers: ClinVar variation 5010640 (VCV005010640.1).
Genomic context (GRCh38, chr5:179,345,221, plus strand): 5'-CCGGGGAGTAGGGGCCGGGCCGCACCTACCTGGGGGGTCGGCGGCGGCGGCGAGCCTGGC[G>GACTGTCTCTTA]TTCGCGGGCGGCGGCGGCGGCGGCAGGAGCGGCGGCGGCAGCAGCAGCAGCAGCAGCAGC-3'

ClinVar aggregate classification (germline): Pathogenic (1 of 4 stars; one submission).

Conditions:
Ehlers-Danlos syndrome, dermatosparaxis type. Also called: EDS VIIC; Dermatosparaxis; Ehlers-Danlos syndrome, type VII, autosomal recessive. Identifiers: Orphanet 1901, MedGen C2700425, MONDO:0009161, OMIM 225410.

Submission:

Myriad Genetics, Inc.
Classification: Pathogenic for Ehlers-Danlos syndrome, dermatosparaxis type. Last evaluated: 2024-05-14. Review status: criteria provided, single submitter. Criteria: Myriad Autosomal Dominant, Autosomal Recessive and X-Linked Classification Criteria (2023). Collection method: clinical testing. Allele origin: unknown.
Comment: NM_014244.4(ADAMTS2):c.107_108ins11(A37Kfs*132) is expected to be pathogenic in the context of Ehlers-Danlos syndrome, ADAMTS2-related. This variant is predicted to lead to an abnormal or absent protein product due to the creation of a premature termination codon in ADAMTS2, a gene where loss-of-function variants are known to be pathogenic. Please note: this variant was assessed in the context of healthy population screening.